The following is an entry in ClinVar:

ClinVar aggregate classification (germline): Uncertain significance (1 of 4 stars; one submission).

gnomAD v4.1: 1 of 1,614,132 alleles (0.000062%); highest among the groups gnomAD compares: Non-Finnish European, 0.000085%; no homozygotes.

Submission:

GeneDx
Classification: Uncertain significance. Last evaluated: 2024-08-23. Review status: criteria provided, single submitter. Criteria: GeneDx Variant Classification Process June 2021. Collection method: clinical testing. Allele origin: germline. Affected: yes.
Comment: Not observed at significant frequency in large population cohorts (gnomAD); In silico analysis indicates that this variant does not alter splicing; Has not been previously published as pathogenic or benign to our knowledge

NM_012064.4(MIP):c.195C>A (p.Ala65=)

Gene: MIP (major intrinsic protein of lens fiber; minus strand). Cytogenetic location: 12q13.3.
Variant type: single nucleotide variant.
Coding change: c.195C>A on transcript NM_012064.4 (MANE Select); coding-DNA position 195, C replaced by A.
Protein change: p.Ala65=; no amino-acid change (alanine 65 retained).
Molecular consequence: synonymous variant.
Genome position (GRCh38, 1-based): chr12:56,454,419, G>T on the plus strand (C>A on the coding strand, the complement: MIP is on the minus strand). VCF-style: chr12-56454419-G-T. GRCh37 (hg19) VCF-style: chr12-56848203-G-T.
Identifiers: ClinVar variation 3764350 (VCV003764350.1).